The following is an entry in ClinVar:

ClinVar aggregate classification (germline): Pathogenic (1 of 4 stars; one submission).

Conditions:
Neuronal ceroid lipofuscinosis 7 (CLN7). Also called: MFSD8-Related Neuronal Ceroid-Lipofuscinosis. Identifiers: Orphanet 168491, Orphanet 228366, MedGen C1838571, MONDO:0012588, OMIM 610951.

Submission:

Labcorp Genetics (formerly Invitae), Labcorp
Classification: Pathogenic for Neuronal ceroid lipofuscinosis 7. Last evaluated: 2023-03-26. Review status: criteria provided, single submitter. Criteria: Invitae Variant Classification Sherloc (09022015). Collection method: clinical testing. Allele origin: unknown.
Comment: A similar copy number variant has been observed in individual(s) with neuronal ceroid lipofuscinosis type 7 (PMID: 35917699). This variant is a gross deletion of the genomic region encompassing exon(s) 2-4 of the MFSD8 gene, which includes the initiator codon. This deletion extends beyond the assayed region for this gene and therefore may encompass additional genes. It is expected to result in an absent or disrupted protein product. Loss-of-function variants in MFSD8 are known to be pathogenic (PMID: 19177532, 25227500, 28586915). For these reasons, this variant has been classified as Pathogenic.

Literature cited by the submitters: PubMed 35917699; PubMed 19177532; PubMed 25227500; PubMed 28586915.

NC_000004.11:g.(?_128870939)_(128886288_?)del

Gene: MFSD8 (major facilitator superfamily domain containing 8; minus strand). Cytogenetic location: 4q28.2.
Variant type: Deletion.
Identifiers: ClinVar variation 3246659 (VCV003246659.1).